The following is an entry in ClinVar:

NM_002772.3(TMPRSS15):c.712T>G (p.Phe238Val)

Gene: TMPRSS15 (transmembrane serine protease 15; minus strand). Cytogenetic location: 21q21.1.
Variant type: single nucleotide variant.
Coding change: c.712T>G on transcript NM_002772.3 (MANE Select); coding-DNA position 712, T replaced by G.
Protein change: p.Phe238Val; replaces phenylalanine 238 with valine.
Molecular consequence: missense variant.
Genome position (GRCh38, 1-based): chr21:18,365,201, A>C on the plus strand (T>G on the coding strand, the complement: TMPRSS15 is on the minus strand). VCF-style: chr21-18365201-A-C. GRCh37 (hg19) VCF-style: chr21-19737518-A-C.
Other names: c.847T>G, p.Phe283Val (NM_001428056.1); c.712T>G, p.Phe238Val (NM_001428057.1); short protein forms F283V, F238V.
Identifiers: ClinVar variation 4779357 (VCV004779357.1).

ClinVar aggregate classification (germline): Uncertain significance (1 of 4 stars; one submission).

gnomAD v4.1: 25 of 1,614,014 alleles (0.0015%); highest among the groups gnomAD compares: Non-Finnish European, 0.0015%; no homozygotes.

Submission:

Labcorp Genetics (formerly Invitae), Labcorp
Classification: Uncertain significance. Last evaluated: 2025-11-06. Review status: criteria provided, single submitter. Criteria: Invitae Variant Classification Sherloc (09022015). Collection method: clinical testing. Allele origin: germline.
Comment: This sequence change replaces phenylalanine, which is neutral and non-polar, with valine, which is neutral and non-polar, at codon 238 of the TMPRSS15 protein (p.Phe238Val). This variant is present in population databases (rs774964633, gnomAD 0.004%). This variant has not been reported in the literature in individuals affected with TMPRSS15-related conditions. An algorithm developed to predict the effect of missense changes on protein structure and function (PolyPhen-2) suggests that this variant is likely to be disruptive. In summary, the available evidence is currently insufficient to determine the role of this variant in disease. Therefore, it has been classified as a Variant of Uncertain Significance.